The following is an entry in ClinVar:

ClinVar aggregate classification (germline): other (0 of 4 stars; one submission).

Conditions:
Familial colorectal cancer. Identifiers: MedGen CN280943, MONDO:0023113. Disease mechanism: loss of function.

Submission:

Systems Biology Platform Zhejiang California International NanoSystems Institute
Classification: other for Familial colorectal cancer. Review status: no assertion criteria provided. Collection method: not provided. Allele origin: unknown.
ClinVar note: Converted during submission from cancer to other.

NM_000038.6(APC):c.422+919T>C

Gene: APC (APC regulator of WNT signaling pathway; plus strand). Cytogenetic location: 5q22.2.
Variant type: single nucleotide variant.
Coding change: c.422+919T>C on transcript NM_000038.6 (MANE Select); 919 bases into the intron after coding-DNA position 422, T replaced by C.
Molecular consequence: intron variant.
Genome position (GRCh38, 1-based): chr5:112,768,309, T>C. VCF-style: chr5-112768309-T-C. GRCh37 (hg19) VCF-style: chr5-112104006-T-C.
Other names: c.422+919T>C (NM_001354895.2, NM_001127510.3, NM_001354896.2 and 2 more transcripts); c.452+919T>C (NM_001354897.2, NM_001354902.2, NM_001127511.3); c.347+919T>C (NM_001354898.2, NM_001354904.2); c.-614+919T>C (NM_001354906.2); c.245+919T>C (NM_001354900.2, NM_001354901.2, NM_001354905.2).
Identifiers: ClinVar variation 82403 (VCV000082403.2), dbSNP rs77088725, ClinGen allele CA009129.